The following is an entry in ClinVar:

NM_005428.4(VAV1):c.1398+6G>T

Gene: VAV1 (vav guanine nucleotide exchange factor 1; plus strand). Cytogenetic location: 19p13.3.
Variant type: single nucleotide variant.
Coding change: c.1398+6G>T on transcript NM_005428.4 (MANE Select); 6 bases into the intron after coding-DNA position 1398, G replaced by T.
Molecular consequence: intron variant.
Genome position (GRCh38, 1-based): chr19:6,829,924, G>T. VCF-style: chr19-6829924-G-T. GRCh37 (hg19) VCF-style: chr19-6829935-G-T.
Other names: c.1398+6G>T (NM_001258206.2); c.1302+6G>T (NM_001258207.2).
Identifiers: ClinVar variation 3653884 (VCV003653884.2).
Genomic context (GRCh38, chr19:6,829,924, plus strand): 5'-CCTGCACAGCTTCCAGGTTCGGGATGACTCTTCAGGAGACCGAGACAACAAGAAGGTGGG[G>T]CTTTGACGCCGGAACTATGGGGTCCTCCACGCAGTCGGCAGCTTAGCCCTCTCCACTTGG-3'

ClinVar aggregate classification (germline): Uncertain significance (1 of 4 stars; one submission).

Submission:

Labcorp Genetics (formerly Invitae), Labcorp
Classification: Uncertain significance. Last evaluated: 2024-07-29. Review status: criteria provided, single submitter. Criteria: Invitae Variant Classification Sherloc (09022015). Collection method: clinical testing. Allele origin: germline.
Comment: This sequence change falls in intron 14 of the VAV1 gene. It does not directly change the encoded amino acid sequence of the VAV1 protein. It affects a nucleotide within the consensus splice site. This variant is not present in population databases (gnomAD no frequency). This variant has not been reported in the literature in individuals affected with VAV1-related conditions. Variants that disrupt the consensus splice site are a relatively common cause of aberrant splicing (PMID: 17576681, 9536098). Algorithms developed to predict the effect of sequence changes on RNA splicing suggest that this variant is not likely to affect RNA splicing. In summary, the available evidence is currently insufficient to determine the role of this variant in disease. Therefore, it has been classified as a Variant of Uncertain Significance.

Literature cited by the submitters: PubMed 17576681; PubMed 9536098.